The following is an entry in ClinVar:

NM_206933.4(USH2A):c.7064C>T (p.Pro2355Leu)

Gene: USH2A (usherin; minus strand). Cytogenetic location: 1q41.
Variant type: single nucleotide variant.
Coding change: c.7064C>T on transcript NM_206933.4 (MANE Select); coding-DNA position 7064, C replaced by T.
Protein change: p.Pro2355Leu; replaces proline 2355 with leucine.
Molecular consequence: missense variant.
Genome position (GRCh38, 1-based): chr1:215,965,373, G>A on the plus strand (C>T on the coding strand, the complement: USH2A is on the minus strand). VCF-style: chr1-215965373-G-A. GRCh37 (hg19) VCF-style: chr1-216138715-G-A.
Other names: c.7064C>T (NM_206933.2); short protein forms P2355L.
Identifiers: ClinVar variation 2150209 (VCV002150209.5), dbSNP rs142628868, ClinGen allele CA344852052.

ClinVar aggregate classification (germline): Uncertain significance. Review status: criteria provided, single submitter (1 of 4 stars). 2 submissions from 2 submitters: Uncertain significance (1). 1 of the submissions does not count toward it. Last evaluated 2022-09-06.

Conditions:
Usher syndrome type 2A. Also called: RETINAL DISEASE IN USHER SYNDROME TYPE IIA, MODIFIER OF; USHER SYNDROME, TYPE IIA. Identifiers: Orphanet 231178, Orphanet 886, MedGen C1848634, MONDO:0010169, OMIM 276901.

Allele frequency attached by ClinVar (database versions not stated): gnomAD 0.00001.
gnomAD v4.1: 1 of 1,613,772 alleles (0.000062%); highest among the groups gnomAD compares: Admixed American, 0.0017%; no homozygotes.

Submissions (2):

Labcorp Genetics (formerly Invitae), Labcorp
Classification: Uncertain significance. Last evaluated: 2022-09-06. Review status: criteria provided, single submitter. Criteria: Invitae Variant Classification Sherloc (09022015). Collection method: clinical testing. Allele origin: germline.
Comment: This sequence change replaces proline, which is neutral and non-polar, with leucine, which is neutral and non-polar, at codon 2355 of the USH2A protein (p.Pro2355Leu). This variant is not present in population databases (gnomAD no frequency). This variant has not been reported in the literature in individuals affected with USH2A-related conditions. Algorithms developed to predict the effect of missense changes on protein structure and function (SIFT, PolyPhen-2, Align-GVGD) all suggest that this variant is likely to be disruptive. In summary, the available evidence is currently insufficient to determine the role of this variant in disease. Therefore, it has been classified as a Variant of Uncertain Significance.

Natera, Inc.
Classification: Uncertain significance for Usher syndrome type 2A. Last evaluated: 2025-01-24. Review status: no assertion criteria provided. Collection method: clinical testing. Allele origin: germline. Not counted in ClinVar's aggregate classification.